The following is an entry in ClinVar:

ClinVar aggregate classification (germline): Uncertain significance (1 of 4 stars; one submission).

Conditions:
Cardiovascular phenotype. Identifiers: MedGen CN230736.

Submission:

Ambry Genetics
Classification: Uncertain significance for Cardiovascular phenotype. Last evaluated: 2025-06-16. Review status: criteria provided, single submitter. Criteria: Ambry Variant Classification Scheme 2023. Collection method: clinical testing. Allele origin: germline.
Comment: The p.T787I variant (also known as c.2360C>T), located in coding exon 14 of the SOS2 gene, results from a C to T substitution at nucleotide position 2360. The threonine at codon 787 is replaced by isoleucine, an amino acid with similar properties. This amino acid position is conserved. In addition, this alteration is predicted to be deleterious by in silico analysis. Based on the available evidence, the clinical significance of this variant remains unclear.

NM_006939.4(SOS2):c.2360C>T (p.Thr787Ile)

Gene: SOS2 (SOS Ras/Rho guanine nucleotide exchange factor 2; minus strand). Cytogenetic location: 14q21.3.
Variant type: single nucleotide variant.
Coding change: c.2360C>T on transcript NM_006939.4 (MANE Select); coding-DNA position 2360, C replaced by T.
Protein change: p.Thr787Ile; replaces threonine 787 with isoleucine.
Molecular consequence: missense variant.
Genome position (GRCh38, 1-based): chr14:50,150,032, G>A on the plus strand (C>T on the coding strand, the complement: SOS2 is on the minus strand). VCF-style: chr14-50150032-G-A. GRCh37 (hg19) VCF-style: chr14-50616750-G-A.
Other names: c.2261C>T, p.Thr754Ile (NM_001411020.1); short protein forms T754I, T787I.
Identifiers: ClinVar variation 4172001 (VCV004172001.1).
Genomic context (GRCh38, chr14:50,150,032, plus strand): 5'-TAAAAATAAAGCAAGACATTAACATTAATTGTCTACCTGTAAAGATCAGACTCCAAAAGT[G>A]TCAGCTGACGTGCAATTTCTATTGGATGAAGTGTCATGAGATCAAATGTTTCAAACTGTC-3'
Protein context (NP_008870.2, residues 777-797): LHPIEIARQL[Thr787Ile]LLESDLYRKV